The following is an entry in ClinVar:

NM_001083619.3(GRIA2):c.2375G>T (p.Gly792Val)

Gene: GRIA2 (glutamate ionotropic receptor AMPA type subunit 2; plus strand). Cytogenetic location: 4q32.1.
Variant type: single nucleotide variant.
Coding change: c.2375G>T on transcript NM_001083619.3 (MANE Select); coding-DNA position 2375, G replaced by T.
Protein change: p.Gly792Val; replaces glycine 792 with valine.
Molecular consequence: missense variant. On other transcripts: intron variant (3).
Genome position (GRCh38, 1-based): chr4:157,361,093, G>T. VCF-style: chr4-157361093-G-T. GRCh37 (hg19) VCF-style: chr4-158282245-G-T.
Other names: c.2234G>T, p.Gly745Val (NM_001379000.3); c.2151-445G>T (NM_001379001.3, NM_001083620.3); c.2292-445G>T (NM_000826.6); short protein forms G745V, G792V.
Identifiers: ClinVar variation 1064412 (VCV001064412.1), dbSNP rs2127000875, ClinGen allele CA358650534.

ClinVar aggregate classification (germline): Likely pathogenic (1 of 4 stars; one submission).

Conditions:
Neurodevelopmental disorder with language impairment and behavioral abnormalities. Also called: GRIA2-related neurodevelopmental disorder. Identifiers: MedGen C5394502, MONDO:0030060, OMIM 618917.

Submission:

SIB Swiss Institute of Bioinformatics
Classification: Likely pathogenic for Neurodevelopmental disorder with language impairment and behavioral abnormalities. Last evaluated: 2021-04-01. Review status: criteria provided, single submitter. Criteria: ACMG Guidelines, 2015. Collection method: curation. Allele origin: unknown.
Comment: This variant is interpreted as a likely pathogenic for Neurodevelopmental disorder with language impairment and behavioral abnormalities, autosomal dominant. The following ACMG Tag(s) were applied: Absent from controls (or at extremely low frequency if recessive) in Exome Sequencing Project, 1000 Genomes Project, or Exome Aggregation Consortium (PM2); De novo (paternity and maternity confirmed) (PS2 downgraded to moderate); Multiple lines of computational evidence support a deleterious effect on the gene or gene product (PP3); Missense variant in a gene that has a low rate of benign missense variation and in which missense variants are a common mechanism of disease (PP2).

Literature cited by the submitters: PubMed 31300657.